The following is an entry in ClinVar:

ClinVar aggregate classification (germline): Uncertain significance (1 of 4 stars; one submission).

Conditions:
Familial cancer of breast. Also called: hereditary breast carcinoma; Hereditary breast cancer; BREAST CANCER, FAMILIAL. Identifiers: Orphanet 227535, MedGen C0346153, MONDO:0016419, OMIM 114480. Disease mechanism: loss of function.

Submission:

Labcorp Genetics (formerly Invitae), Labcorp
Classification: Uncertain significance for Familial cancer of breast. Last evaluated: 2024-04-10. Review status: criteria provided, single submitter. Criteria: Invitae Variant Classification Sherloc (09022015). Collection method: clinical testing. Allele origin: germline.
Comment: This sequence change replaces lysine, which is basic and polar, with glutamine, which is neutral and polar, at codon 967 of the PALB2 protein (p.Lys967Gln). This variant is not present in population databases (gnomAD no frequency). This variant has not been reported in the literature in individuals affected with PALB2-related conditions. ClinVar contains an entry for this variant (Variation ID: 220436). Advanced modeling of protein sequence and biophysical properties (such as structural, functional, and spatial information, amino acid conservation, physicochemical variation, residue mobility, and thermodynamic stability) performed at Invitae indicates that this missense variant is not expected to disrupt PALB2 protein function with a negative predictive value of 80%. In summary, the available evidence is currently insufficient to determine the role of this variant in disease. Therefore, it has been classified as a Variant of Uncertain Significance.

NM_024675.4(PALB2):c.2899A>C (p.Lys967Gln)

Gene: PALB2 (partner and localizer of BRCA2; minus strand). Cytogenetic location: 16p12.2.
Variant type: single nucleotide variant.
Coding change: c.2899A>C on transcript NM_024675.4 (MANE Select); coding-DNA position 2899, A replaced by C.
Protein change: p.Lys967Gln; replaces lysine 967 with glutamine.
Molecular consequence: missense variant.
Genome position (GRCh38, 1-based): chr16:23,623,066, T>G on the plus strand (A>C on the coding strand, the complement: PALB2 is on the minus strand). VCF-style: chr16-23623066-T-G. GRCh37 (hg19) VCF-style: chr16-23634387-T-G.
Other names: short protein forms K967Q.
Identifiers: ClinVar variation 220436 (VCV000220436.8), dbSNP rs864622525, ClinGen allele CA349278.
Genomic context (GRCh38, chr16:23,623,066, plus strand): 5'-GATCAGAAAGGGTCCCACTGCTACTAACTAGCCTCCTCTTTGTCAGGCCAAGCACAGCTT[T>G]TATATTTCCAGACTTCAGTAGTACTTGCTTTTCACTTTCATCATCAGAGGAACAAAACAA-3'
Protein context (NP_078951.2, residues 957-977): KQVLLKSGNI[Lys967Gln]AVLGLTKRRL